The following is an entry in ClinVar:

ClinVar aggregate classification (germline): Likely pathogenic (1 of 4 stars; one submission).

Conditions:
Autism spectrum disorder - epilepsy - arthrogryposis syndrome (AMRS). Identifiers: Orphanet 370943, MedGen C3809910, MONDO:0014248, OMIM 615553.

Submission:

Natera, Inc.
Classification: Likely pathogenic for Arthrogryposis, mental retardation, and seizures. Last evaluated: 2024-10-05. Review status: criteria provided, single submitter. Criteria: Natera Variant Classification Schema (03/2026). Collection method: clinical testing. Allele origin: germline.
Comment: The c.407T>A variant in SLC35A3 is a nonsense variant predicted to introduce a stop codon at amino acid 136. This variant is expected to result in nonsense mediated decay, truncation, or a dysfunctional protein product. This variant is rare in the general population with a frequency below the threshold expected for the associated phenotype(s). Given the available evidence, this variant is classified as Likely Pathogenic.

NM_012243.3(SLC35A3):c.407T>A (p.Leu136Ter)

Gene: SLC35A3 (solute carrier family 35 member A3; plus strand). Cytogenetic location: 1p21.2.
Variant type: single nucleotide variant.
Coding change: c.407T>A on transcript NM_012243.3 (MANE Select); coding-DNA position 407, T replaced by A.
Protein change: p.Leu136Ter; replaces leucine 136 with a stop codon.
Molecular consequence: nonsense. On other transcripts: intron variant (3).
Genome position (GRCh38, 1-based): chr1:100,007,098, T>A. VCF-style: chr1-100007098-T-A. GRCh37 (hg19) VCF-style: chr1-100472654-T-A.
Other names: c.407T>A, p.Leu136Ter (NM_001271684.2, NM_001438725.1, NM_001438728.1); c.533T>A, p.Leu178Ter (NM_001271685.2); c.343-4267T>A (NM_001437717.1, NM_001437713.1, NM_001438729.1); short protein forms L136*, L178*.
Identifiers: ClinVar variation 4815557 (VCV004815557.1).